The following is an entry in ClinVar:

NM_006218.4(PIK3CA):c.2204T>C (p.Leu735Ser)

Gene: PIK3CA (phosphatidylinositol-4,5-bisphosphate 3-kinase catalytic subunit alpha; plus strand). Cytogenetic location: 3q26.32.
Variant type: single nucleotide variant.
Coding change: c.2204T>C on transcript NM_006218.4 (MANE Select); coding-DNA position 2204, T replaced by C.
Protein change: p.Leu735Ser; replaces leucine 735 with serine.
Molecular consequence: missense variant.
Genome position (GRCh38, 1-based): chr3:179,224,097, T>C. VCF-style: chr3-179224097-T-C. GRCh37 (hg19) VCF-style: chr3-178941885-T-C.
Other names: short protein forms L735S.
Identifiers: ClinVar variation 1186706 (VCV001186706.2), dbSNP rs1725027082, ClinGen allele CA355270143.

ClinVar aggregate classification (germline): Uncertain significance (1 of 4 stars; one submission).

Allele frequency attached by ClinVar (database versions not stated): gnomAD exomes below 0.00001; TOPMed 0.00001.
gnomAD v4.1: 1 of 1,600,896 alleles (0.000062%); highest among the groups gnomAD compares: Non-Finnish European, 0.000086%; no homozygotes.

Submission:

GeneDx
Classification: Uncertain significance. Last evaluated: 2020-06-19. Review status: criteria provided, single submitter. Criteria: GeneDx Variant Classification Process June 2021. Collection method: clinical testing. Allele origin: germline. Affected: yes.
Comment: Not observed in large population cohorts (Lek et al., 2016); In silico analysis supports that this missense variant has a deleterious effect on protein structure/function; Has not been previously published as pathogenic or benign to our knowledge